The following is an entry in ClinVar:

NM_000448.3(RAG1):c.1210C>T (p.Arg404Trp)

Gene: RAG1 (recombination activating 1; plus strand). Cytogenetic location: 11p12.
Variant type: single nucleotide variant.
Coding change: c.1210C>T on transcript NM_000448.3 (MANE Select); coding-DNA position 1210, C replaced by T.
Protein change: p.Arg404Trp; replaces arginine 404 with tryptophan.
Molecular consequence: missense variant.
Genome position (GRCh38, 1-based): chr11:36,574,514, C>T. VCF-style: chr11-36574514-C-T. GRCh37 (hg19) VCF-style: chr11-36596064-C-T.
Other names: c.1210C>T, p.Arg404Trp (NM_001377277.1, NM_001377278.1, NM_001377279.1 and 1 more transcripts); short protein forms R404W.
Identifiers: ClinVar variation 636824 (VCV000636824.16), dbSNP rs764981110, ClinGen allele CA5950113.

ClinVar aggregate classification (germline): Pathogenic/Likely pathogenic. Review status: criteria provided, multiple submitters, no conflicts (2 of 4 stars). 5 submissions from 5 submitters: Pathogenic (4); Likely pathogenic (1). Last evaluated 2025-11-03.

Conditions:
Severe combined immunodeficiency disease. Also called: Severe combined immunodeficiency; Severe Combined Immune Deficiency. Identifiers: MONDO:0015974, HP:0004430, Orphanet 183660, MedGen C0085110, MeSH D016511. Inheritance: X-Linked or Autosomal recessive.
RAG1-related disorder. Also called: RAG1-related condition; RAG1-related disorders.
Severe combined immunodeficiency, autosomal recessive, T cell-negative, B cell-negative, NK cell-positive. Also called: SCID, AR, T-cell negative, B-cell negative, NK cell-positive; SCID, T CELL-NEGATIVE, B CELL-NEGATIVE, NK CELL-POSITIVE; Severe combined immunodeficiency due to complete RAG1/2 deficiency. Identifiers: Orphanet 331206, MedGen C1832322, MONDO:0011086, OMIM 601457.
Combined immunodeficiency with skin granulomas. Identifiers: Orphanet 157949, MedGen C2673536, MONDO:0009306, OMIM 233650.
Combined immunodeficiency due to partial RAG1 deficiency. Identifiers: Orphanet 231154, MedGen C1835931, MONDO:0012359, OMIM 609889.

Allele frequency attached by ClinVar (database versions not stated): gnomAD exomes below 0.00001; ExAC 0.00001.

Submissions (5):

Labcorp Genetics (formerly Invitae), Labcorp
Classification: Pathogenic for Combined immunodeficiency with skin granulomas; Severe combined immunodeficiency, autosomal recessive, T cell-negative, B cell-negative, NK cell-positive. Last evaluated: 2025-11-03. Review status: criteria provided, single submitter. Criteria: Invitae Variant Classification Sherloc (09022015). Collection method: clinical testing. Allele origin: germline.
Comment: This sequence change replaces arginine, which is basic and polar, with tryptophan, which is neutral and slightly polar, at codon 404 of the RAG1 protein (p.Arg404Trp). The frequency data for this variant in the population databases is considered unreliable, as metrics indicate poor data quality at this position in the gnomAD database. This missense change has been observed in individual(s) with Omenn syndrome and with clinical features of severe combined immunodeficiency (PMID: 11313270, 26829731; internal data). In at least one individual the data is consistent with being in trans (on the opposite chromosome) from a pathogenic variant. This variant is also known as C1322T, c.1209C>T (p.R403W). ClinVar contains an entry for this variant (Variation ID: 636824). Invitae Evidence Modeling of protein sequence and biophysical properties (such as structural, functional, and spatial information, amino acid conservation, physicochemical variation, residue mobility, and thermodynamic stability) has been performed for this missense variant. However, the output from this modeling did not meet the statistical confidence thresholds required to predict the impact of this variant on RAG1 protein function. Experimental studies have shown that this missense change affects RAG1 function (PMID: 11313270). This variant disrupts the p.Arg404 amino acid residue in RAG1. Other variant(s) that disrupt this residue have been determined to be pathogenic (PMID: 12200379, 16960852, 24290284, 24985406). This suggests that this residue is clinically significant, and that variants that disrupt this residue are likely to be disease-causing. For these reasons, this variant has been classified as Pathogenic.

Baylor Genetics
Classification: Pathogenic for Combined immunodeficiency due to partial RAG1 deficiency. Last evaluated: 2023-11-25. Review status: criteria provided, single submitter. Criteria: ACMG Guidelines, 2015. Collection method: clinical testing. Allele origin: unknown.

Women's Health and Genetics/Laboratory Corporation of America, LabCorp
Classification: Pathogenic for Severe combined immunodeficiency disease. Last evaluated: 2023-03-30. Review status: criteria provided, single submitter. Criteria: LabCorp Variant Classification Summary - May 2015. Collection method: clinical testing. Allele origin: germline.
Comment: Variant summary: RAG1 c.1210C>T (p.Arg404Trp) results in a non-conservative amino acid change located in the RAG nonamer-binding domain (IPR023336) of the encoded protein sequence. Five of five in-silico tools predict a damaging effect of the variant on protein function. The variant allele was found at a frequency of 4e-06 in 250788 control chromosomes (gnomAD). c.1210C>T has been reported in the literature as a biallelic genotype in multiple individuals affected with Severe Combined Immunodeficiency Syndrome/Omenn Syndrome (e.g. Corneo_2001, Melika_2021, Cifaldi_2022, Aykut_2022). These data indicate that the variant is very likely to be associated with disease. At least one publication reports experimental evidence evaluating an impact on protein function and found the variant resulted in a dramatically reduced recombination frequency compared to the WT protein (e.g. Corneo_2001). Two clinical diagnostic laboratories have submitted clinical-significance assessments for this variant to ClinVar after 2014 and classified the variant as pathogenic and likely pathogenic. Based on the evidence outlined above, the variant was classified as pathogenic.

PreventionGenetics, part of Exact Sciences
Classification: Pathogenic for RAG1-related condition. Last evaluated: 2023-02-21. Review status: criteria provided, single submitter. Criteria: ACMG Guidelines, 2015. Collection method: clinical testing. Allele origin: germline.
Comment: The RAG1 c.1210C>T variant is predicted to result in the amino acid substitution p.Arg404Trp. This variant was reported in the compound heterozygous, suspected compound heterozygous, or homozygous state in individuals with RAG deficiencies such as Omenn syndrome or severe combined immunodeficiency (Corneo et al. 2001. PubMed ID: 11313270; Sobacchi et al. 2006. PubMed ID: 16960852; Supplementary Table 2, Platt et al. 2020. PubMed ID: 32888943; Melika et al. 2021. PubMed ID: 34224223). The p.Arg404Trp change has been shown to disrupt RAG protein recombination activity in vitro (Corneo et al. 2001. PubMed ID: 11313270). This variant is reported in 0.00088% of alleles in individuals of European (Non-Finnish) descent in gnomAD. This variant is interpreted as pathogenic.

Blueprint Genetics
Classification: Likely pathogenic for RAG1-related disorders. Last evaluated: 2018-06-07. Review status: criteria provided, single submitter. Criteria: ACMG Guidelines, 2015. Collection method: clinical testing. Allele origin: germline. Affected: yes. Observed: 1 variant allele.

Literature cited by the submitters: PubMed 11313270 (cited by Labcorp Genetics (formerly Invitae), Labcorp and Women's Health and Genetics/Laboratory Corporation of America, LabCorp); PubMed 26829731 (cited by Labcorp Genetics (formerly Invitae), Labcorp); PubMed 12200379 (cited by Labcorp Genetics (formerly Invitae), Labcorp); PubMed 16960852 (cited by Labcorp Genetics (formerly Invitae), Labcorp); PubMed 24290284 (cited by Labcorp Genetics (formerly Invitae), Labcorp); PubMed 24985406 (cited by Labcorp Genetics (formerly Invitae), Labcorp); PubMed 35303369 (cited by Women's Health and Genetics/Laboratory Corporation of America, LabCorp); PubMed 34664192 (cited by Women's Health and Genetics/Laboratory Corporation of America, LabCorp); PubMed 34224223 (cited by Women's Health and Genetics/Laboratory Corporation of America, LabCorp).